The following is an entry in ClinVar:

ClinVar aggregate classification (germline): Uncertain significance (1 of 4 stars; one submission).

Submission:

GeneDx
Classification: Uncertain significance. Last evaluated: 2024-03-20. Review status: criteria provided, single submitter. Criteria: GeneDx Variant Classification Process June 2021. Collection method: clinical testing. Allele origin: germline. Affected: yes.
Comment: Not observed at significant frequency in large population cohorts (gnomAD); In silico analysis supports that this missense variant has a deleterious effect on protein structure/function; Has not been previously published as pathogenic or benign to our knowledge

NM_015557.3(CHD5):c.3930G>C (p.Lys1310Asn)

Gene: CHD5 (chromodomain helicase DNA binding protein 5; minus strand). Cytogenetic location: 1p36.31.
Variant type: single nucleotide variant.
Coding change: c.3930G>C on transcript NM_015557.3 (MANE Select); coding-DNA position 3930, G replaced by C.
Protein change: p.Lys1310Asn; replaces lysine 1310 with asparagine.
Molecular consequence: missense variant.
Genome position (GRCh38, 1-based): chr1:6,126,720, C>G on the plus strand (G>C on the coding strand, the complement: CHD5 is on the minus strand). VCF-style: chr1-6126720-C-G. GRCh37 (hg19) VCF-style: chr1-6186780-C-G.
Other names: short protein forms K1310N.
Identifiers: ClinVar variation 3371280 (VCV003371280.1).